The following is an entry in ClinVar:

NM_173598.6(KSR2):c.210G>A (p.Gln70=)

Gene: KSR2 (kinase suppressor of ras 2; minus strand). Cytogenetic location: 12q24.23.
Variant type: single nucleotide variant.
Coding change: c.210G>A on transcript NM_173598.6 (MANE Select); coding-DNA position 210, G replaced by A.
Protein change: p.Gln70=; no amino-acid change (glutamine 70 retained).
Molecular consequence: synonymous variant.
Genome position (GRCh38, 1-based): chr12:117,860,402, C>T on the plus strand (G>A on the coding strand, the complement: KSR2 is on the minus strand). VCF-style: chr12-117860402-C-T. GRCh37 (hg19) VCF-style: chr12-118298207-C-T.
Identifiers: ClinVar variation 3355822 (VCV003355822.1).

ClinVar aggregate classification (germline): Likely benign (0 of 4 stars; one submission).

Conditions:
KSR2-related disorder. Also called: KSR2-related condition.

gnomAD v4.1: 2 of 1,611,452 alleles (0.00012%); highest among the groups gnomAD compares: Admixed American, 0.0033%; no homozygotes.

Submission:

PreventionGenetics, part of Exact Sciences
Classification: Likely benign for KSR2-related condition. Last evaluated: 2021-10-26. Review status: no assertion criteria provided. Collection method: clinical testing. Allele origin: germline.
Comment: This variant is classified as likely benign based on ACMG/AMP sequence variant interpretation guidelines (Richards et al. 2015 PMID: 25741868, with internal and published modifications).